The following is an entry in ClinVar:

ClinVar aggregate classification (germline): Uncertain significance (1 of 4 stars; one submission).

Allele frequency attached by ClinVar (database versions not stated): gnomAD exomes below 0.00001.
gnomAD v4.1: 2 of 1,547,402 alleles (0.00013%); highest among the groups gnomAD compares: South Asian, 0.0012%; no homozygotes.

Submission:

Labcorp Genetics (formerly Invitae), Labcorp
Classification: Uncertain significance. Last evaluated: 2021-10-03. Review status: criteria provided, single submitter. Criteria: Invitae Variant Classification Sherloc (09022015). Collection method: clinical testing. Allele origin: germline.
Comment: In summary, the available evidence is currently insufficient to determine the role of this variant in disease. Therefore, it has been classified as a Variant of Uncertain Significance. This sequence change replaces proline with serine at codon 398 of the ARHGEF1 protein (p.Pro398Ser). The proline residue is highly conserved and there is a moderate physicochemical difference between proline and serine. This variant is not present in population databases (ExAC no frequency). This variant has not been reported in the literature in individuals affected with ARHGEF1-related conditions. Algorithms developed to predict the effect of missense changes on protein structure and function output the following: SIFT: "Deleterious"; PolyPhen-2: "Probably Damaging"; Align-GVGD: "Class C65". The serine amino acid residue is found in multiple mammalian species, which suggests that this missense change does not adversely affect protein function.

NM_004706.4(ARHGEF1):c.1147C>T (p.Pro383Ser)

Gene: ARHGEF1 (Rho guanine nucleotide exchange factor 1; plus strand). Cytogenetic location: 19q13.2.
Variant type: single nucleotide variant.
Coding change: c.1147C>T on transcript NM_004706.4 (MANE Select); coding-DNA position 1147, C replaced by T.
Protein change: p.Pro383Ser; replaces proline 383 with serine.
Molecular consequence: missense variant.
Genome position (GRCh38, 1-based): chr19:41,898,467, C>T. VCF-style: chr19-41898467-C-T. GRCh37 (hg19) VCF-style: chr19-42402616-C-T.
Other names: c.1048C>T, p.Pro350Ser (NM_198977.2); c.1192C>T, p.Pro398Ser (NM_199002.2); short protein forms P350S, P383S, P398S.
Identifiers: ClinVar variation 1464236 (VCV001464236.6), dbSNP rs2123475451, ClinGen allele CA406058095.